The following is an entry in ClinVar:

ClinVar aggregate classification (germline): Uncertain significance (1 of 4 stars; one submission).

Submission:

Labcorp Genetics (formerly Invitae), Labcorp
Classification: Uncertain significance. Last evaluated: 2022-11-05. Review status: criteria provided, single submitter. Criteria: Invitae Variant Classification Sherloc (09022015). Collection method: clinical testing. Allele origin: germline.
Comment: ClinVar contains an entry for this variant (Variation ID: 1369918). In summary, the available evidence is currently insufficient to determine the role of this variant in disease. Therefore, it has been classified as a Variant of Uncertain Significance. Algorithms developed to predict the effect of missense changes on protein structure and function are either unavailable or do not agree on the potential impact of this missense change (SIFT: "Not Available"; PolyPhen-2: "Probably Damaging"; Align-GVGD: "Not Available"). This variant has not been reported in the literature in individuals affected with CNGB1-related conditions. This variant is present in population databases (no rsID available, gnomAD 0.3%). This sequence change replaces tyrosine, which is neutral and polar, with leucine, which is neutral and non-polar, at codon 656 of the CNGB1 protein (p.Tyr656Leu).

NM_001297.5(CNGB1):c.1966_1967delinsCT (p.Tyr656Leu)

Gene: CNGB1 (cyclic nucleotide gated channel subunit beta 1; minus strand). Cytogenetic location: 16q21.
Variant type: Indel.
Coding change: c.1966_1967delinsCT on transcript NM_001297.5 (MANE Select); coding-DNA positions 1966 to 1967, TA replaced by CT.
Protein change: p.Tyr656Leu; replaces tyrosine 656 with leucine.
Molecular consequence: missense variant.
Genome position (GRCh38, 1-based): chr16:57,917,467-57,917,468, TA replaced by AG on the plus strand (TA replaced by CT on the coding strand, the reverse complement: CNGB1 is on the minus strand). VCF-style: chr16-57917467-TA-AG. GRCh37 (hg19) VCF-style: chr16-57951371-TA-AG.
Other names: c.1948_1949delinsCT, p.Tyr650Leu (NM_001286130.2); short protein forms Y656L, Y650L.
Identifiers: ClinVar variation 1369918 (VCV001369918.8), dbSNP rs2149364897, ClinGen allele CA2573152483.
Genomic context (GRCh38, chr16:57,917,467, plus strand): 5'-ACGGGAATCAGCCAACAGTTCCAATTCCAGGCCATCACCACGAAGAACAGCCATAGGACA[TA>AG]CATCAGGTCTGTGGGGAAGGTTGACGGGGACGCTAGAGCATCAGCCAGGCAAGGCTCTTC-3'
Protein context (NP_001288.3, residues 646-666): QSIDPLTNLM[Tyr656Leu]VLWLFFVVMA